The following is an entry in ClinVar:

NM_002778.4(PSAP):c.239A>G (p.Asn80Ser)

Gene: PSAP (prosaposin; minus strand). Cytogenetic location: 10q22.1.
Variant type: single nucleotide variant.
Coding change: c.239A>G on transcript NM_002778.4 (MANE Select); coding-DNA position 239, A replaced by G.
Protein change: p.Asn80Ser; replaces asparagine 80 with serine.
Molecular consequence: missense variant.
Genome position (GRCh38, 1-based): chr10:71,831,856, T>C on the plus strand (A>G on the coding strand, the complement: PSAP is on the minus strand). VCF-style: chr10-71831856-T-C. GRCh37 (hg19) VCF-style: chr10-73591613-T-C.
Other names: c.239A>G, p.Asn80Ser (NM_001042465.3, NM_001042466.3); short protein forms N80S.
Identifiers: ClinVar variation 989888 (VCV000989888.3), dbSNP rs570654892, ClinGen allele CA5547839.
Genomic context (GRCh38, chr10:71,831,856, plus strand): 5'-CAGTGCACGTGCCCGTGGCTCAAGCACCATCCCCACTCACCGCCGCTCACCTCAGTGGCA[T>C]TGTCCTTCAGCATATCACCAGCTGCGGTGACAACGTCTTTGCATATGTCGCAGGGAAGGG-3'
Protein context (NP_002769.1, residues 70-90): VTAAGDMLKD[Asn80Ser]ATEEEILVYL

ClinVar aggregate classification (germline): Uncertain significance. Review status: criteria provided, single submitter (1 of 4 stars). 2 submissions from 2 submitters: Uncertain significance (1). 1 of the submissions does not count toward it. Last evaluated 2022-07-16.

Conditions:
Metachromatic leukodystrophy (MLD). Also called: Arylsulfatase A Deficiency; SULFATIDE LIPIDOSIS; ARSA DEFICIENCY; CEREBROSIDE SULFATASE DEFICIENCY; Cerebral sclerosis diffuse metachromatic form; METACHROMATIC LEUKOENCEPHALOPATHY. Identifiers: Orphanet 512, MedGen C0023522, MONDO:0018868, OMIM 250100.
Sphingolipid activator protein 1 deficiency. Also called: Saposin B Deficiency; Metachromatic leukodystrophy due to saposin B deficiency; METACHROMATIC LEUKODYSTROPHY DUE TO CEREBROSIDE SULFATASE ACTIVATOR DEFICIENCY. Identifiers: Orphanet 512, MedGen C0268262, MONDO:0009590, OMIM 249900.

Allele frequency attached by ClinVar (database versions not stated): gnomAD 0.00001 and 0.00002; gnomAD exomes 0.00001; TOPMed 0.00001; ExAC 0.00002; 1000 Genomes Project 30x 0.00031; 1000 Genomes Project 0.00040.
gnomAD v4.1: 14 of 1,613,984 alleles (0.00087%); highest among the groups gnomAD compares: Middle Eastern, 0.017%; no homozygotes.

Submissions (2):

Labcorp Genetics (formerly Invitae), Labcorp
Classification: Uncertain significance for Sphingolipid activator protein 1 deficiency. Last evaluated: 2022-07-16. Review status: criteria provided, single submitter. Criteria: Invitae Variant Classification Sherloc (09022015). Collection method: clinical testing. Allele origin: germline.
Comment: This sequence change replaces asparagine, which is neutral and polar, with serine, which is neutral and polar, at codon 80 of the PSAP protein (p.Asn80Ser). This variant is present in population databases (rs570654892, gnomAD 0.01%). This variant has not been reported in the literature in individuals affected with PSAP-related conditions. ClinVar contains an entry for this variant (Variation ID: 989888). Algorithms developed to predict the effect of missense changes on protein structure and function are either unavailable or do not agree on the potential impact of this missense change (SIFT: "Not Available"; PolyPhen-2: "Possibly Damaging"; Align-GVGD: "Not Available"). In summary, the available evidence is currently insufficient to determine the role of this variant in disease. Therefore, it has been classified as a Variant of Uncertain Significance.

Natera, Inc.
Classification: Uncertain significance for Metachromatic leukodystrophy. Last evaluated: 2020-08-18. Review status: no assertion criteria provided. Collection method: clinical testing. Allele origin: germline. Not counted in ClinVar's aggregate classification.